The following is an entry in ClinVar:

ClinVar aggregate classification (germline): Uncertain significance (1 of 4 stars; one submission).

Conditions:
Idiopathic generalized epilepsy. Also called: Generalised epilepsy; EIG. Identifiers: MedGen C0270850, MONDO:0005579, OMIM 600669.
Hyperaldosteronism, familial, type IV (HALD4). Also called: FH IV; ALDOSTERONISM, PRIMARY, AND HYPERTENSION. Identifiers: Orphanet 642671, MedGen C4310756, MONDO:0014875, OMIM 617027.

Submission:

Labcorp Genetics (formerly Invitae), Labcorp
Classification: Uncertain significance for Idiopathic generalized epilepsy; Hyperaldosteronism, familial, type IV. Last evaluated: 2022-12-11. Review status: criteria provided, single submitter. Criteria: Invitae Variant Classification Sherloc (09022015). Collection method: clinical testing. Allele origin: germline.
Comment: This variant is not present in population databases (gnomAD no frequency). This sequence change replaces serine, which is neutral and polar, with phenylalanine, which is neutral and non-polar, at codon 2054 of the CACNA1H protein (p.Ser2054Phe). This variant has not been reported in the literature in individuals affected with CACNA1H-related conditions. In summary, the available evidence is currently insufficient to determine the role of this variant in disease. Therefore, it has been classified as a Variant of Uncertain Significance. Advanced modeling of protein sequence and biophysical properties (such as structural, functional, and spatial information, amino acid conservation, physicochemical variation, residue mobility, and thermodynamic stability) performed at Invitae indicates that this missense variant is not expected to disrupt CACNA1H protein function.

NM_021098.3(CACNA1H):c.6161C>T (p.Ser2054Phe)

Gene: CACNA1H (calcium voltage-gated channel subunit alpha1 H; plus strand). Cytogenetic location: 16p13.3.
Variant type: single nucleotide variant.
Coding change: c.6161C>T on transcript NM_021098.3 (MANE Select); coding-DNA position 6161, C replaced by T.
Protein change: p.Ser2054Phe; replaces serine 2054 with phenylalanine.
Molecular consequence: missense variant.
Genome position (GRCh38, 1-based): chr16:1,220,093, C>T. VCF-style: chr16-1220093-C-T. GRCh37 (hg19) VCF-style: chr16-1270093-C-T.
Other names: c.6143C>T, p.Ser2048Phe (NM_001005407.2); short protein forms S2054F, S2048F.
Identifiers: ClinVar variation 2945778 (VCV002945778.3), dbSNP rs2548734265, ClinGen allele CA394149204.
Genomic context (GRCh38, chr16:1,220,093, plus strand): 5'-CCCTGGATCCTGCAGAGCCTGGTGAGAAAACCCCGGTGAGGCCGGTGACCCAGGGGGGCT[C>T]CCTGCAGTCCCCACCACGCTCCCCACGGCCCGCCAGCGTCCGCACTCGTAAGCATACCTT-3'
Protein context (NP_066921.2, residues 2044-2064): TPVRPVTQGG[Ser2054Phe]LQSPPRSPRP